The following is an entry in ClinVar:

NM_003954.5(MAP3K14):c.424G>T (p.Ala142Ser)

Gene: MAP3K14 (mitogen-activated protein kinase kinase kinase 14; minus strand). Cytogenetic location: 17q21.31.
Variant type: single nucleotide variant.
Coding change: c.424G>T on transcript NM_003954.5 (MANE Select); coding-DNA position 424, G replaced by T.
Protein change: p.Ala142Ser; replaces alanine 142 with serine.
Molecular consequence: missense variant.
Genome position (GRCh38, 1-based): chr17:45,287,267, C>A on the plus strand (G>T on the coding strand, the complement: MAP3K14 is on the minus strand). VCF-style: chr17-45287267-C-A. GRCh37 (hg19) VCF-style: chr17-43364633-C-A.
Other names: c.424G>T (NM_003954.3); short protein forms A142S.
Identifiers: ClinVar variation 948403 (VCV000948403.7), dbSNP rs374256640, ClinGen allele CA8614357.

ClinVar aggregate classification (germline): Uncertain significance. Review status: criteria provided, multiple submitters, no conflicts (2 of 4 stars). 2 submissions from 2 submitters: Uncertain significance (2). Last evaluated 2025-01-18.

Conditions:
NIK deficiency. Also called: Primary immunodeficiency with multifaceted aberrant lymphoid immunity. Identifiers: Orphanet 447731, MedGen C5680065, MONDO:0018642.

Allele frequency attached by ClinVar (database versions not stated): gnomAD exomes 0.00003 and 0.00005; ExAC 0.00007; ESP Exome Variant Server 0.00016; gnomAD 0.00019 and 0.00021; TOPMed 0.00019.
gnomAD v4.1: 71 of 1,613,888 alleles (0.0044%); highest among the groups gnomAD compares: African/African-American, 0.088%; no homozygotes.

Submissions (2):

Labcorp Genetics (formerly Invitae), Labcorp
Classification: Uncertain significance for NIK deficiency. Last evaluated: 2025-01-18. Review status: criteria provided, single submitter. Criteria: Invitae Variant Classification Sherloc (09022015). Collection method: clinical testing. Allele origin: germline.
Comment: This sequence change replaces alanine, which is neutral and non-polar, with serine, which is neutral and polar, at codon 142 of the MAP3K14 protein (p.Ala142Ser). This variant is present in population databases (rs374256640, gnomAD 0.08%). This variant has not been reported in the literature in individuals affected with MAP3K14-related conditions. ClinVar contains an entry for this variant (Variation ID: 948403). Experimental studies and prediction algorithms are not available or were not evaluated, and the functional significance of this variant is currently unknown. In summary, the available evidence is currently insufficient to determine the role of this variant in disease. Therefore, it has been classified as a Variant of Uncertain Significance.

Ambry Genetics
Classification: Uncertain significance. Last evaluated: 2023-12-16. Review status: criteria provided, single submitter. Criteria: Ambry Variant Classification Scheme 2023. Collection method: clinical testing. Allele origin: germline.